The following is an entry in ClinVar:

ClinVar aggregate classification (germline): Likely pathogenic (1 of 4 stars; one submission).

Conditions:
Fabry disease. Also called: ALPHA-GALACTOSIDASE A DEFICIENCY; ANDERSON-FABRY DISEASE; CERAMIDE TRIHEXOSIDASE DEFICIENCY; GLA DEFICIENCY; HEREDITARY DYSTOPIC LIPIDOSIS; Angiokeratoma corporis diffusum. Identifiers: Orphanet 324, MedGen C0002986, MONDO:0010526, OMIM 301500, HP:0001071. Disease mechanism: Fabry disease is due to inactivating mutations in the X-linked GLA gene resulting in deficiency of the enzyme Alpha Galactosidase-A., loss of function.

Submission:

Genomenon, Inc
Classification: Likely pathogenic for Fabry disease. Last evaluated: 2026-09-08. Review status: criteria provided, single submitter. Criteria: Genomenon Sequence Variant Interpretation Standards - Updated. Collection method: curation. Allele origin: germline. Affected: yes.
Comment: GLA p.Ala156Val (c.467C>T) is a missense variant that changes the amino acid at codon 156 from Alanine to Valine. This variant has been observed in at least one proband with clinical features consistent with Fabry disease (PMID:33915609;9105656;24656905). At least one functional study has demonstrated a substantial alteration in protein function relative to the wild-type (PMID:32023956;27657681;23935525). It is absent or not present at a significant frequency in gnomAD. In silico models predict that this variant is possibly or probably damaging. In conclusion, we classify GLA p.Ala156Val (c.467C>T) as a likely pathogenic variant.

Literature cited by the submitters: PubMed 33915609; PubMed 9105656; PubMed 24656905; PubMed 32023956; PubMed 27657681; PubMed 23935525.

NM_000169.3(GLA):c.467C>T (p.Ala156Val)

Genes: GLA (galactosidase alpha; minus strand), RPL36A-HNRNPH2 (RPL36A-HNRNPH2 readthrough; plus strand). Cytogenetic location: Xq22.1.
Variant type: single nucleotide variant.
Coding change: c.467C>T on transcript NM_000169.3 (MANE Select); coding-DNA position 467, C replaced by T.
Protein change: p.Ala156Val; replaces alanine 156 with valine.
Molecular consequence: missense variant. On other transcripts: non-coding transcript variant (3), intron variant (2).
Genome position (GRCh38, 1-based): chrX:101,401,712, G>A on the plus strand (C>T on the coding strand, the complement: GLA is on the minus strand). VCF-style: chrX-101401712-G-A. GRCh37 (hg19) VCF-style: chrX-100656700-G-A.
Other names: c.590C>T, p.Ala197Val (NM_001406747.1, NM_001406749.1); c.467C>T, p.Ala156Val (NM_001406748.1); c.300+6255G>A (NM_001199973.2); c.177+9890G>A (NM_001199974.2); short protein forms A156V, A197V.
Identifiers: ClinVar variation 4087380 (VCV004087380.2), dbSNP rs869312307.